The following is an entry in ClinVar:

ClinVar aggregate classification (germline): Likely pathogenic (1 of 4 stars; one submission).

Conditions:
Xeroderma pigmentosum, group D (XPD). Also called: ERCC2-Related Xeroderma Pigmentosum; XERODERMA PIGMENTOSUM IV; XP, GROUP D; XP, GROUP H; XERODERMA PIGMENTOSUM, COMPLEMENTATION GROUP D. Identifiers: MedGen C0268138, MONDO:0010212, OMIM 278730.

Allele frequency attached by ClinVar (database versions not stated): TOPMed below 0.00001.

Submission:

Johns Hopkins Genomics, Johns Hopkins University
Classification: Likely pathogenic for Xeroderma pigmentosum, group D. Last evaluated: 2021-06-01. Review status: criteria provided, single submitter. Criteria: ACMG Guidelines, 2015. Collection method: clinical testing. Allele origin: germline.
Comment: ERCC2 c.2010C>T is absent from a large population dataset and has not been reported in ClinVar nor the literature, to our knowledge. Bioinformatic analysis predicts that this synonymous variant would affect normal exon 21 splicing through the creation of a novel splice donor site, although this has not been confirmed experimentally to our knowledge. We consider ERCC2 c.2010C>T to be likely pathogenic.

Literature cited by the submitters: PubMed 22572993.

NM_000400.4(ERCC2):c.2010C>T (p.Gly670=)

Gene: ERCC2 (ERCC excision repair 2, TFIIH core complex helicase subunit; minus strand). Cytogenetic location: 19q13.32.
Variant type: single nucleotide variant.
Coding change: c.2010C>T on transcript NM_000400.4 (MANE Select); coding-DNA position 2010, C replaced by T.
Protein change: p.Gly670=; no amino-acid change (glycine 670 retained).
Molecular consequence: synonymous variant.
Genome position (GRCh38, 1-based): chr19:45,352,542, G>A on the plus strand (C>T on the coding strand, the complement: ERCC2 is on the minus strand). VCF-style: chr19-45352542-G-A. GRCh37 (hg19) VCF-style: chr19-45855800-G-A.
Identifiers: ClinVar variation 1162241 (VCV001162241.1), dbSNP rs754967981, ClinGen allele CA507953362.